The following is an entry in ClinVar:

NM_000390.4(CHM):c.1249A>C (p.Lys417Gln)

Gene: CHM (CHM Rab escort protein; minus strand). Cytogenetic location: Xq21.2.
Variant type: single nucleotide variant.
Coding change: c.1249A>C on transcript NM_000390.4 (MANE Select); coding-DNA position 1249, A replaced by C.
Protein change: p.Lys417Gln; replaces lysine 417 with glutamine.
Molecular consequence: missense variant.
Genome position (GRCh38, 1-based): chrX:85,901,184, T>G on the plus strand (A>C on the coding strand, the complement: CHM is on the minus strand). VCF-style: chrX-85901184-T-G. GRCh37 (hg19) VCF-style: chrX-85156189-T-G.
Other names: c.805A>C, p.Lys269Gln (NM_001320959.1, NM_001362517.1, NM_001362518.2 and 1 more transcripts); c.1249A>C (NM_000390.3); short protein forms K269Q, K417Q.
Identifiers: ClinVar variation 1897889 (VCV001897889.4), dbSNP rs1273866628, ClinGen allele CA413789968.
Genomic context (GRCh38, chrX:85,901,184, plus strand): 5'-TGTCCTCCACGAGGAAATGCTCAGAGATTATTCTCTGACCAAACTGATCTATAATTGCTT[T>G]ACATCTATAAAGAAGATAAGCATACCATAAAAGTTCATATTAATGATTAAATAATTGAGA-3'
Protein context (NP_000381.1, residues 407-427): LVVDKESRKC[Lys417Gln]AIIDQFGQRI

ClinVar aggregate classification (germline): Uncertain significance. Review status: criteria provided, multiple submitters, no conflicts (2 of 4 stars). 2 submissions from 2 submitters: Uncertain significance (2). Last evaluated 2025-12-05.

Conditions:
CHM-related disorder. Also called: CHM-related condition.

Allele frequency attached by ClinVar (database versions not stated): gnomAD exomes 0.00001; TOPMed 0.00002.
gnomAD v4.1: 7 of 1,133,583 alleles (0.00062%); highest among the groups gnomAD compares: Non-Finnish European, 0.00084%; no homozygotes.

Submissions (2):

PreventionGenetics, part of Exact Sciences
Classification: Uncertain significance for CHM-related condition. Last evaluated: 2025-12-05. Review status: criteria provided, single submitter. Criteria: ACMG Guidelines, 2015. Collection method: clinical testing. Allele origin: germline.
Comment: The CHM c.1249A>C variant is predicted to result in the amino acid substitution p.Lys417Gln. To our knowledge, this variant has not been reported in the literature. This variant is present in 0.0030% of alleles in individuals of European (Non-Finnish) descent in gnomAD, including two hemizygotes in dataset v4.1.0. Although we suspect that this variant may be benign, at this time, the clinical significance of this variant is uncertain due to the absence of conclusive functional and genetic evidence.

Labcorp Genetics (formerly Invitae), Labcorp
Classification: Uncertain significance. Last evaluated: 2025-04-28. Review status: criteria provided, single submitter. Criteria: Invitae Variant Classification Sherloc (09022015). Collection method: clinical testing. Allele origin: germline.
Comment: This sequence change replaces lysine, which is basic and polar, with glutamine, which is neutral and polar, at codon 417 of the CHM protein (p.Lys417Gln). This variant is present in population databases (no rsID available, gnomAD 0.003%), including at least one homozygous and/or hemizygous individual. This variant has not been reported in the literature in individuals affected with CHM-related conditions. ClinVar contains an entry for this variant (Variation ID: 1897889). Invitae Evidence Modeling of protein sequence and biophysical properties (such as structural, functional, and spatial information, amino acid conservation, physicochemical variation, residue mobility, and thermodynamic stability) indicates that this missense variant is not expected to disrupt CHM protein function with a negative predictive value of 80%. In summary, the available evidence is currently insufficient to determine the role of this variant in disease. Therefore, it has been classified as a Variant of Uncertain Significance.